The following is an entry in ClinVar:

ClinVar aggregate classification (germline): Pathogenic/Likely pathogenic. Review status: criteria provided, multiple submitters, no conflicts (2 of 4 stars). 2 submissions from 2 submitters: Pathogenic (1); Likely pathogenic (1). Last evaluated 2022-05-29.

Conditions:
BEST1-related disorder. Also called: BEST1-related condition; BEST1-related disorders. Identifiers: MedGen CN239200.

Submissions (2):

Labcorp Genetics (formerly Invitae), Labcorp
Classification: Pathogenic. Last evaluated: 2022-05-29. Review status: criteria provided, single submitter. Criteria: Invitae Variant Classification Sherloc (09022015). Collection method: clinical testing. Allele origin: germline.
Comment: This sequence change affects the initiator methionine of the BEST1 mRNA. The next in-frame methionine is located at codon 61. This variant is not present in population databases (gnomAD no frequency). Disruption of the initiator codon has been observed in individual(s) with autosomal recessive bestrophinopathy (PMID: 32646389). This variant disrupts a region of the BEST1 protein in which other variant(s) (p.Arg47His) have been determined to be pathogenic (PMID: 28687848, 29976937, 30498755). This suggests that this is a clinically significant region of the protein, and that variants that disrupt it are likely to be disease-causing. For these reasons, this variant has been classified as Pathogenic.

Blueprint Genetics
Classification: Likely pathogenic for BEST1-related disorders. Last evaluated: 2021-09-24. Review status: criteria provided, single submitter. Criteria: ACMG Guidelines, 2015. Collection method: clinical testing. Allele origin: germline. Affected: yes. Observed: 1 variant allele.

Literature cited by the submitters: PubMed 32646389 (cited by Labcorp Genetics (formerly Invitae), Labcorp); PubMed 28687848 (cited by Labcorp Genetics (formerly Invitae), Labcorp); PubMed 29976937 (cited by Labcorp Genetics (formerly Invitae), Labcorp); PubMed 30498755 (cited by Labcorp Genetics (formerly Invitae), Labcorp).

NM_004183.4(BEST1):c.1A>G (p.Met1Val)

Gene: BEST1 (bestrophin 1; plus strand). Cytogenetic location: 11q12.3.
Variant type: single nucleotide variant.
Coding change: c.1A>G on transcript NM_004183.4 (MANE Select); coding-DNA position 1, A replaced by G.
Protein change: p.Met1Val; changes the start codon (methionine 1).
Molecular consequence: missense variant, initiator codon variant. On other transcripts: non-coding transcript variant (1), intron variant (6).
Genome position (GRCh38, 1-based): chr11:61,951,807, A>G. VCF-style: chr11-61951807-A-G. GRCh37 (hg19) VCF-style: chr11-61719279-A-G.
Other names: c.1A>G, p.Met1Val (NM_001363592.2, NM_001440571.1, NM_001440572.1 and 1 more transcripts); c.-29+1380A>G (NM_001139443.3, NM_001300787.2, NM_001440574.1 and 3 more transcripts); short protein forms M1V.
Identifiers: ClinVar variation 2098714 (VCV002098714.6), dbSNP rs2541331724, ClinGen allele CA380830742.
Genomic context (GRCh38, chr11:61,951,807, plus strand): 5'-CCAATCGGTGTCCCTCTCTACCAGGACCCAAGCCCACCTGCTGCAGCCCACTGCCTGGCC[A>G]TGACCATCACTTACACAAGCCAAGTGGCTAATGCCCGCTTAGGCTCCTTCTCCCGCCTGC-3'
Protein context (NP_004174.1, residues 1-11): [Met1Val]TITYTSQVAN